The following is an entry in ClinVar:

ClinVar aggregate classification (germline): Pathogenic (1 of 4 stars; one submission).

Conditions:
Microcephaly, normal intelligence and immunodeficiency (NBS). Also called: Ataxia telangiectasia variant V1; SEEMANOVA SYNDROME II; Immunodeficiency, microcephaly with normal intelligence; Nijmegen breakage syndrome; Microcephaly with normal intelligence immunodeficiency and lymphoreticular malignancies; Nonsyndromal microcephaly autosomal recessive with normal intelligence. Identifiers: Orphanet 647, MedGen C0398791, MONDO:0009623, OMIM 251260.

Submission:

Labcorp Genetics (formerly Invitae), Labcorp
Classification: Pathogenic for Microcephaly, normal intelligence and immunodeficiency. Last evaluated: 2018-07-04. Review status: criteria provided, single submitter. Criteria: Invitae Variant Classification Sherloc (09022015). Collection method: clinical testing. Allele origin: germline.
Comment: A gross deletion of the genomic region encompassing the full coding sequence of the NBN gene has been identified. The boundaries of this event are unknown as the deletion extends beyond the assayed region for this gene and therefore may encompass additional genes. A similar deletion has not been reported in the literature in individuals with NBN-related disease. Loss-of-function variants in NBN are known to be pathogenic (PMID: 9590180, 16415040). For these reasons, this variant has been classified as Pathogenic.

NC_000008.11:g.(?_89921080)_(89984561_?)del

Genes: NBN (nibrin; minus strand), OSGIN2 (oxidative stress induced growth inhibitor family member 2; plus strand), LOC126860438 (MED14-independent group 3 enhancer GRCh37_chr8:90959982-90961181; plus strand), LOC130000714 (ATAC-STARR-seq lymphoblastoid active region 27608; plus strand). Cytogenetic location: 8q21.3.
Variant type: Deletion.
Identifiers: ClinVar variation 583872 (VCV000583872.1).